The following is an entry in ClinVar:

ClinVar aggregate classification (germline): Uncertain significance (1 of 4 stars; one submission).

Conditions:
Bethlem myopathy 1A. Also called: MYOPATHY, BENIGN CONGENITAL, WITH CONTRACTURES; Bethlem myopathy 1; Bethlem Muscular Dystrophy. Identifiers: Orphanet 610, MedGen CN029274, MONDO:0024530, OMIM 158810.

Submission:

Labcorp Genetics (formerly Invitae), Labcorp
Classification: Uncertain significance for Bethlem myopathy 1A. Last evaluated: 2022-05-31. Review status: criteria provided, single submitter. Criteria: Invitae Variant Classification Sherloc (09022015). Collection method: clinical testing. Allele origin: germline.
Comment: This sequence change replaces glutamine, which is neutral and polar, with lysine, which is basic and polar, at codon 479 of the COL6A3 protein (p.Gln479Lys). This variant is not present in population databases (gnomAD no frequency). This variant has not been reported in the literature in individuals affected with COL6A3-related conditions. Advanced modeling of protein sequence and biophysical properties (such as structural, functional, and spatial information, amino acid conservation, physicochemical variation, residue mobility, and thermodynamic stability) performed at Invitae indicates that this missense variant is not expected to disrupt COL6A3 protein function. In summary, the available evidence is currently insufficient to determine the role of this variant in disease. Therefore, it has been classified as a Variant of Uncertain Significance.

NM_004369.4(COL6A3):c.1435C>A (p.Gln479Lys)

Gene: COL6A3 (collagen type VI alpha 3 chain; minus strand). Cytogenetic location: 2q37.3.
Variant type: single nucleotide variant.
Coding change: c.1435C>A on transcript NM_004369.4 (MANE Select); coding-DNA position 1435, C replaced by A.
Protein change: p.Gln479Lys; replaces glutamine 479 with lysine.
Molecular consequence: missense variant.
Genome position (GRCh38, 1-based): chr2:237,381,377, G>T on the plus strand (C>A on the coding strand, the complement: COL6A3 is on the minus strand). VCF-style: chr2-237381377-G-T. GRCh37 (hg19) VCF-style: chr2-238290020-G-T.
Other names: c.214C>A, p.Gln72Lys (NM_057164.5, NM_057166.5); c.817C>A, p.Gln273Lys (NM_057165.5, NM_057167.4); short protein forms Q273K, Q72K, Q479K.
Identifiers: ClinVar variation 1997340 (VCV001997340.4), dbSNP rs2469930185, ClinGen allele CA351218094.